The following is an entry in ClinVar:

ClinVar aggregate classification (germline): Uncertain significance. Review status: criteria provided, multiple submitters, no conflicts (2 of 4 stars). 2 submissions from 2 submitters: Uncertain significance (2). Last evaluated 2017-11-03.

Conditions:
Dilated cardiomyopathy 1G (CMD1G). Identifiers: Orphanet 154, MedGen C1858763, MONDO:0011400, OMIM 604145.
Autosomal recessive limb-girdle muscular dystrophy type 2J (LGMDR10). Also called: MUSCULAR DYSTROPHY, LIMB-GIRDLE, AUTOSOMAL RECESSIVE 10; Limb-girdle muscular dystrophy, type 2J. Identifiers: Orphanet 140922, MedGen C1837342, MONDO:0012127, OMIM 608807.

Allele frequency attached by ClinVar (database versions not stated): gnomAD exomes below 0.00001; ExAC 0.00001.
gnomAD v4.1: 1 of 1,613,020 alleles (0.000062%); highest among the groups gnomAD compares: African/African-American, 0.0013%; no homozygotes.

Submissions (2):

Labcorp Genetics (formerly Invitae), Labcorp
Classification: Uncertain significance for Dilated cardiomyopathy 1G; Autosomal recessive limb-girdle muscular dystrophy type 2J. Last evaluated: 2017-11-03. Review status: criteria provided, single submitter. Criteria: Invitae Variant Classification Sherloc (09022015). Collection method: clinical testing. Allele origin: germline.

GeneDx
Classification: Uncertain significance. Last evaluated: 2013-04-08. Review status: criteria provided, single submitter. Criteria: GeneDx Variant Classification (06012015). Collection method: clinical testing. Allele origin: germline. Affected: yes.
Comment: Missense variants in the TTN gene are considered 'unclassified' if they are not previously reported in the literature and do not have >1% frequency in the population to be considered a polymorphism. Research indicates that truncating mutations in the TTN gene are expected to account for approximately 25% of familial and 18% of sporadic idiopathic DCM; however, truncating variants in the TTN gene have been reported in approximately 3% of reported control alleles. There has been little investigation into non-truncating variants. (Herman D et al. Truncations of titin causing dilated cardiomyopathy. N Eng J Med 366:619-628, 2012) The variant is found in DCM panel(s).

NM_001267550.2(TTN):c.41548T>C (p.Tyr13850His)

Gene: TTN (titin; minus strand). Cytogenetic location: 2q31.2.
Variant type: single nucleotide variant.
Coding change: c.41548T>C on transcript NM_001267550.2 (MANE Select); coding-DNA position 41548, T replaced by C.
Protein change: p.Tyr13850His; replaces tyrosine 13850 with histidine.
Molecular consequence: missense variant.
Genome position (GRCh38, 1-based): chr2:178,636,023, A>G on the plus strand (T>C on the coding strand, the complement: TTN is on the minus strand). VCF-style: chr2-178636023-A-G. GRCh37 (hg19) VCF-style: chr2-179500750-A-G.
Other names: p.Y12209H:TAC>CAC; c.36625T>C, p.Tyr12209His (NM_001256850.1); c.14353T>C, p.Tyr4785His (NM_003319.4); c.33844T>C, p.Tyr11282His (NM_133378.4); c.14728T>C, p.Tyr4910His (NM_133432.3); c.14929T>C, p.Tyr4977His (NM_133437.4); short protein forms Y12209H, Y13850H, Y4785H, Y4977H, Y4910H, Y11282H.
Identifiers: ClinVar variation 202621 (VCV000202621.4), dbSNP rs774281208, ClinGen allele CA309781.